The following is an entry in ClinVar:

ClinVar aggregate classification (germline): Uncertain significance. Review status: criteria provided, multiple submitters, no conflicts (2 of 4 stars). 3 submissions from 3 submitters: Uncertain significance (3). Last evaluated 2024-07-31.

Conditions:
Hereditary cancer-predisposing syndrome. Also called: Neoplastic Syndromes, Hereditary; Hereditary Cancer Syndrome; Hereditary neoplastic syndrome; Tumor predisposition. Identifiers: Orphanet 140162, MedGen C0027672, MeSH D009386, MONDO:0015356.
Colorectal cancer, susceptibility to, 12 (CRCS12). Also called: COLORECTAL CANCER, SUSCEPTIBILITY TO, ON CHROMOSOME 12q24. Identifiers: Orphanet 220460, MedGen C3554460, MONDO:0014038, OMIM 615083.

Submissions (3):

Ambry Genetics
Classification: Uncertain significance for Hereditary cancer-predisposing syndrome. Last evaluated: 2024-07-31. Review status: criteria provided, single submitter. Criteria: Ambry Variant Classification Scheme 2023. Collection method: clinical testing. Allele origin: germline.
Comment: The p.I312M variant (also known as c.936T>G), located in coding exon 10 of the POLE gene, results from a T to G substitution at nucleotide position 936. The isoleucine at codon 312 is replaced by methionine, an amino acid with highly similar properties. This amino acid position is conserved. In addition, the in silico prediction for this alteration is inconclusive. Based on the available evidence, the clinical significance of this variant remains unclear.

Baylor Genetics
Classification: Uncertain significance for Colorectal cancer, susceptibility to, 12. Last evaluated: 2023-10-18. Review status: criteria provided, single submitter. Criteria: ACMG Guidelines, 2015. Collection method: clinical testing. Allele origin: unknown.

Labcorp Genetics (formerly Invitae), Labcorp
Classification: Uncertain significance. Last evaluated: 2017-10-01. Review status: criteria provided, single submitter. Criteria: Invitae Variant Classification Sherloc (09022015). Collection method: clinical testing. Allele origin: germline.
Comment: In summary, the available evidence is currently insufficient to determine the role of this variant in disease. Therefore, it has been classified as a Variant of Uncertain Significance. Algorithms developed to predict the effect of missense changes on protein structure and function do not agree on the potential impact of this missense change (SIFT: "Deleterious"; PolyPhen-2: "Probably Damaging"; Align-GVGD: "Class C0"). This variant has not been reported in the literature in individuals with POLE-related disease. This variant is not present in population databases (ExAC no frequency). This sequence change replaces isoleucine with methionine at codon 312 of the POLE protein (p.Ile312Met). The isoleucine residue is highly conserved and there is a small physicochemical difference between isoleucine and methionine.

NM_006231.4(POLE):c.936T>G (p.Ile312Met)

Gene: POLE (DNA polymerase epsilon, catalytic subunit; minus strand). Cytogenetic location: 12q24.33.
Variant type: single nucleotide variant.
Coding change: c.936T>G on transcript NM_006231.4 (MANE Select); coding-DNA position 936, T replaced by G.
Protein change: p.Ile312Met; replaces isoleucine 312 with methionine.
Molecular consequence: missense variant.
Genome position (GRCh38, 1-based): chr12:132,676,178, A>C on the plus strand (T>G on the coding strand, the complement: POLE is on the minus strand). VCF-style: chr12-132676178-A-C. GRCh37 (hg19) VCF-style: chr12-133252764-A-C.
Other names: c.936T>G (NM_006231.2); short protein forms I312M.
Identifiers: ClinVar variation 540709 (VCV000540709.10), dbSNP rs1555229316, ClinGen allele CA387363875.